The following is an entry in ClinVar:

NM_001127511.3(APC):c.-68G>A

Gene: APC (APC regulator of Wnt signaling pathway; plus strand). Cytogenetic location: 5q22.2.
Variant type: single nucleotide variant.
Coding change: c.-68G>A on transcript NM_001127511.3; 68 bases upstream of the start codon, G replaced by A.
Molecular consequence: 5 prime UTR variant. On other transcripts: non-coding transcript variant (1), splice donor variant (5).
Genome position (GRCh38, 1-based): chr5:112,707,650, G>A. VCF-style: chr5-112707650-G-A. GRCh37 (hg19) VCF-style: chr5-112043347-G-A.
Other names: c.-251G>A (NM_001354895.2, NM_001407447.1, NM_001407452.1 and 3 more transcripts); c.-68G>A (NM_001354897.2, NM_001354902.2, NM_001407446.1); c.-1286G>A (NM_001407470.1, NM_001407472.1); c.-19+1G>A (NM_001407448.1, NM_001407450.1, NM_001407457.1 and 1 more transcripts); c.-43+1G>A (NM_001407453.1).
Identifiers: ClinVar variation 469809 (VCV000469809.9), dbSNP rs1163893701, ClinGen allele CA658655901.

ClinVar aggregate classification (germline): Uncertain significance (1 of 4 stars; one submission).

Conditions:
Familial adenomatous polyposis 1 (FAP1). Also called: FAMILIAL ADENOMATOUS POLYPOSIS 1, ATTENUATED; POLYPOSIS, ADENOMATOUS INTESTINAL. Identifiers: MedGen C2713442, MONDO:0021056, OMIM 175100. Disease mechanism: loss of function.

gnomAD v4.1: 4 of 1,363,086 alleles (0.00029%); highest among the groups gnomAD compares: Non-Finnish European, 0.00039%; no homozygotes.

Submission:

Labcorp Genetics (formerly Invitae), Labcorp
Classification: Uncertain significance for Familial adenomatous polyposis 1. Last evaluated: 2025-10-09. Review status: criteria provided, single submitter. Criteria: Invitae Variant Classification Sherloc (09022015). Collection method: clinical testing. Allele origin: germline.
Comment: This variant occurs in a non-coding region of the APC gene. It does not change the encoded amino acid sequence of the APC protein. This variant is not present in population databases (gnomAD no frequency). This variant has not been reported in the literature in individuals affected with APC-related conditions. ClinVar contains an entry for this variant (Variation ID: 469809). Experimental studies and prediction algorithms are not available or were not evaluated, and the functional significance of this variant is currently unknown. In summary, the available evidence is currently insufficient to determine the role of this variant in disease. Therefore, it has been classified as a Variant of Uncertain Significance.